The following is an entry in ClinVar:

ClinVar aggregate classification (germline): Pathogenic (1 of 4 stars; one submission).

Conditions:
LRP4-related disorder. Also called: LRP4-related condition.

Submission:

Daryl Scott Lab, Baylor College of Medicine
Classification: Pathogenic for LRP4-related disorder. Last evaluated: 2024-01-01. Review status: criteria provided, single submitter. Criteria: ACMG Guidelines, 2015. Collection method: clinical testing. Allele origin: paternal. Affected: yes. Observed: 1 heterozygote.
Comment: PVS1, PM2

NM_002334.4(LRP4):c.2613-2A>T

Gene: LRP4 (LDL receptor related protein 4; minus strand). Cytogenetic location: 11p11.2.
Variant type: single nucleotide variant.
Coding change: c.2613-2A>T on transcript NM_002334.4 (MANE Select); the canonical splice acceptor site of the intron before coding-DNA position 2613, A replaced by T.
Molecular consequence: splice acceptor variant.
Genome position (GRCh38, 1-based): chr11:46,881,905, T>A on the plus strand (A>T on the coding strand, the complement: LRP4 is on the minus strand). VCF-style: chr11-46881905-T-A. GRCh37 (hg19) VCF-style: chr11-46903456-T-A.
Identifiers: ClinVar variation 3764559 (VCV003764559.1).